The following is an entry in ClinVar:

NM_015836.4(WARS2):c.1011del (p.Ile337fs)

Gene: WARS2 (tryptophanyl tRNA synthetase 2, mitochondrial; minus strand). Cytogenetic location: 1p12.
Variant type: Deletion.
Coding change: c.1011del on transcript NM_015836.4 (MANE Select); coding-DNA position 1011, one base deleted (T; older notation c.1011delT).
Protein change: p.Ile337fs; shifts the reading frame from isoleucine 337.
Molecular consequence: frameshift variant. On other transcripts: 3 prime UTR variant (2).
Genome position (GRCh38, 1-based): chr1:119,032,983, A deleted on the plus strand (T on the coding strand, the reverse complement: WARS2 is on the minus strand); the first of 2 consecutive A bases (chr1:119,032,983-119,032,984); deleting either gives the same sequence. VCF-style (leftmost placement, unchanged base first): chr1-119032982-CA-C. GRCh37 (hg19) VCF-style: chr1-119575605-CA-C.
Other names: c.942del, p.Ile314fs (NM_001378226.1, NM_001378227.1); c.840del, p.Ile280fs (NM_001378228.1); c.753del, p.Ile251fs (NM_001378229.1); c.729del, p.Ile243fs (NM_001378230.1); c.*346del (NM_001378231.1); c.*377del (NM_201263.2); short protein forms I314fs, I337fs, I243fs, I251fs, I280fs.
Identifiers: ClinVar variation 2088081 (VCV002088081.4), dbSNP rs2524935400, ClinGen allele CA2580060879.

ClinVar aggregate classification (germline): Uncertain significance (1 of 4 stars; one submission).

Submission:

Labcorp Genetics (formerly Invitae), Labcorp
Classification: Uncertain significance. Last evaluated: 2022-01-19. Review status: criteria provided, single submitter. Criteria: Invitae Variant Classification Sherloc (09022015). Collection method: clinical testing. Allele origin: germline.
Comment: In summary, the available evidence is currently insufficient to determine the role of this variant in disease. Therefore, it has been classified as a Variant of Uncertain Significance. Experimental studies and prediction algorithms are not available or were not evaluated, and the functional significance of this variant is currently unknown. This variant has not been reported in the literature in individuals affected with WARS2-related conditions. This variant is not present in population databases (gnomAD no frequency). This sequence change creates a premature translational stop signal (p.Ile337Metfs*9) in the WARS2 gene. While this is not anticipated to result in nonsense mediated decay, it is expected to disrupt the last 24 amino acid(s) of the WARS2 protein.